The following is an entry in ClinVar:

NM_001130987.2(DYSF):c.2239G>T (p.Glu747Ter)

Gene: DYSF (dysferlin; plus strand). Cytogenetic location: 2p13.2.
Variant type: single nucleotide variant.
Coding change: c.2239G>T on transcript NM_001130987.2 (MANE Select); coding-DNA position 2239, G replaced by T.
Protein change: p.Glu747Ter; replaces glutamic acid 747 with a stop codon.
Molecular consequence: nonsense.
Genome position (GRCh38, 1-based): chr2:71,561,774, G>T. VCF-style: chr2-71561774-G-T. GRCh37 (hg19) VCF-style: chr2-71788904-G-T.
Other names: c.2188G>T, p.Glu730Ter (NM_001130455.2, NM_001130983.2); c.2143G>T, p.Glu715Ter (NM_001130976.2, NM_001130977.2); c.2185G>T, p.Glu729Ter (NM_001130978.2, NM_003494.4); c.2278G>T, p.Glu760Ter (NM_001130979.2); c.2236G>T, p.Glu746Ter (NM_001130980.2, NM_001130981.2); c.2281G>T, p.Glu761Ter (NM_001130982.2); c.2146G>T, p.Glu716Ter (NM_001130984.2, NM_001130986.2); c.2239G>T, p.Glu747Ter (NM_001130985.2); short protein forms E715*, E716*, E729*, E730*, E746*, E747*, E760*, E761*.
Identifiers: ClinVar variation 1725369 (VCV001725369.3), dbSNP rs369209261, ClinGen allele CA347208705.

ClinVar aggregate classification (germline): Likely pathogenic (1 of 4 stars; one submission).

Conditions:
Autosomal recessive limb-girdle muscular dystrophy. Identifiers: Orphanet 102015, MedGen C2931907, MONDO:0015152.

Submission:

Myriad Genetics, Inc.
Classification: Likely pathogenic for Autosomal recessive limb-girdle muscular dystrophy. Last evaluated: 2021-12-03. Review status: criteria provided, single submitter. Criteria: Myriad Autosomal Dominant, Autosomal Recessive and X-Linked Classification Criteria (2023). Collection method: clinical testing. Allele origin: unknown.
Comment: NM_003494.3(DYSF):c.2185G>T(E729*) is expected to be pathogenic in the context of dysferlinopathy. This variant is predicted to lead to an abnormal or absent protein product due to the creation of a premature termination codon in DYSF, a gene where loss-of-function variants are known to be pathogenic. Please note: this variant was assessed in the context of healthy population screening.